The following is an entry in ClinVar:

ClinVar aggregate classification (germline): Pathogenic (1 of 4 stars; one submission).

Conditions:
Familial hypocalciuric hypercalcemia (FHH). Also called: Familial benign hypercalcemia. Identifiers: Orphanet 405, MedGen C1809471, MONDO:0018458.
Autosomal dominant hypocalcemia 1 (HYPOC1). Also called: HYPOCALCEMIA, FAMILIAL. Identifiers: MedGen C3715128, MONDO:0011013, OMIM 601198.

Submission:

Labcorp Genetics (formerly Invitae), Labcorp
Classification: Pathogenic for Familial hypocalciuric hypercalcemia; Autosomal dominant hypocalcemia 1. Last evaluated: 2024-06-30. Review status: criteria provided, single submitter. Criteria: Invitae Variant Classification Sherloc (09022015). Collection method: clinical testing. Allele origin: germline.
Comment: This variant, c.889_903del, results in the deletion of 5 amino acid(s) of the CASR protein (p.Glu297_Ser301del), but otherwise preserves the integrity of the reading frame. This variant is not present in population databases (gnomAD no frequency). This variant has not been reported in the literature in individuals affected with CASR-related conditions. This variant disrupts a region of the CASR protein in which other variant(s) (p.Glu297Lys) have been determined to be pathogenic (PMID: 7916660, 12095982, 12114500, 16642557, 19423559, 23077345, 27434672). This suggests that this is a clinically significant region of the protein, and that variants that disrupt it are likely to be disease-causing. For these reasons, this variant has been classified as Pathogenic.

Literature cited by the submitters: PubMed 7916660; PubMed 12095982; PubMed 12114500; PubMed 16642557; PubMed 19423559; PubMed 23077345; PubMed 27434672.

NM_000388.4(CASR):c.889_903del (p.Glu297_Ser301del)

Gene: CASR (calcium sensing receptor; plus strand). Cytogenetic location: 3q21.1.
Variant type: Deletion.
Coding change: c.889_903del on transcript NM_000388.4 (MANE Select); coding-DNA positions 889 to 903, 15 bases deleted (GAGGCCTGGGCCAGC).
Protein change: p.Glu297_Ser301del.
Molecular consequence: inframe deletion.
Genome position (GRCh38, 1-based): chr3:122,261,924-122,261,938, GAGGCCTGGGCCAGC deleted; deleting any 15 consecutive bases within chr3:122,261,917-122,261,938 gives the same sequence; the c. name uses the placement nearest the transcript's 3' end. VCF-style (leftmost placement, unchanged base first): chr3-122261916-TGGCCAGCGAGGCCTG-T. GRCh37 (hg19) VCF-style: chr3-121980763-TGGCCAGCGAGGCCTG-T.
Other names: c.889_903del, p.Glu297_Ser301del (NM_001178065.2).
Identifiers: ClinVar variation 3757051 (VCV003757051.2).